The following is an entry in ClinVar:

NM_033305.3(VPS13A):c.8350T>G (p.Ser2784Ala)

Gene: VPS13A (vacuolar protein sorting 13 homolog A; plus strand). Cytogenetic location: 9q21.2.
Variant type: single nucleotide variant.
Coding change: c.8350T>G on transcript NM_033305.3 (MANE Select); coding-DNA position 8350, T replaced by G.
Protein change: p.Ser2784Ala; replaces serine 2784 with alanine.
Molecular consequence: missense variant.
Genome position (GRCh38, 1-based): chr9:77,366,751, T>G. VCF-style: chr9-77366751-T-G. GRCh37 (hg19) VCF-style: chr9-79981667-T-G.
Other names: p.Ser2784Ala; c.8233T>G, p.Ser2745Ala (NM_001018037.2); c.8350T>G, p.Ser2784Ala (NM_001018038.3, NM_015186.4); short protein forms S2784A, S2745A.
Identifiers: ClinVar variation 367422 (VCV000367422.22), dbSNP rs368916151, ClinGen allele CA5093621.
Genomic context (GRCh38, chr9:77,366,751, plus strand): 5'-AAATACTTTTAAATATTTATCTCTTTATCTTTTTAGTTACATTTAAGTGTTTCACTGAGT[T>G]CCGGCAGAGAAGAAGCTAAAGATTCAAAACAAAATGGAGGACTGATTCCAGTTCATTCTT-3'
Protein context (NP_150648.2, residues 2774-2794): IKLHLSVSLS[Ser2784Ala]GREEAKDSKQ

ClinVar aggregate classification (germline): Benign/Likely benign. Review status: criteria provided, multiple submitters, no conflicts (2 of 4 stars). 5 submissions from 5 submitters: Benign (3); Likely benign (1). 1 of the submissions does not count toward it. Last evaluated 2026-02-02.

Conditions:
VPS13A-related neurodegenerative disease. Also called: Choreoacanthocytosis; Chorea-acanthocytosis; LEVINE-CRITCHLEY SYNDROME; Choreaacanthocytosis; ACANTHOCYTOSIS WITH NEUROLOGIC DISORDER; VPS13A Disease. Identifiers: Orphanet 2388, MedGen C0393576, MONDO:0008695, OMIM 200150.

Allele frequency attached by ClinVar (database versions not stated): ESP Exome Variant Server 0.00008; TOPMed 0.00019; gnomAD 0.00117 and 0.00002; gnomAD exomes 0.00418; ExAC 0.00492; 1000 Genomes Project 30x 0.00812; 1000 Genomes Project 0.00819.
gnomAD v4.1: 3,120 of 1,612,910 alleles (0.19%); highest among the groups gnomAD compares: South Asian, 3.3%; 67 homozygotes.

Submissions (5):

Labcorp Genetics (formerly Invitae), Labcorp
Classification: Benign. Last evaluated: 2026-02-02. Review status: criteria provided, single submitter. Criteria: Invitae Variant Classification Sherloc (09022015). Collection method: clinical testing. Allele origin: germline.

Mayo Clinic Laboratories, Mayo Clinic
Classification: Benign. Last evaluated: 2023-05-01. Review status: criteria provided, single submitter. Criteria: ACMG Guidelines, 2015. Collection method: clinical testing. Allele origin: germline. Observed: 4 variant alleles.
Comment: BS1, BS2, BP4

GeneDx
Classification: Likely benign. Last evaluated: 2022-09-16. Review status: criteria provided, single submitter. Criteria: GeneDx Variant Classification Process June 2021. Collection method: clinical testing. Allele origin: germline. Affected: yes.
Comment: See Variant Classification Assertion Criteria.

Illumina Laboratory Services, Illumina
Classification: Benign for VPS13A-related neurodegenerative disease. Last evaluated: 2018-01-13. Review status: criteria provided, single submitter. Criteria: ICSL Variant Classification Criteria 13 December 2019. Collection method: clinical testing. Allele origin: germline.
Comment: This variant was observed in the ICSL laboratory as part of a predisposition screen in an ostensibly healthy population. It had not been previously curated by ICSL or reported in the Human Gene Mutation Database (HGMD: prior to June 1st, 2018), and was therefore a candidate for classification through an automated scoring system. Utilizing variant allele frequency, disease prevalence and penetrance estimates, and inheritance mode, an automated score was calculated to assess if this variant is too frequent to cause the disease. Based on the score and internal cut-off values, a variant classified as benign is not then subjected to further curation. The score for this variant resulted in a classification of benign for this disease.

Natera, Inc.
Classification: Benign for Choreaacanthocytosis. Last evaluated: 2020-09-16. Review status: no assertion criteria provided. Collection method: clinical testing. Allele origin: germline. Not counted in ClinVar's aggregate classification.